The following is an entry in ClinVar:

NC_000002.12:g.(?_69363535)_(69363680_?)del

Gene: GFPT1 (glutamine--fructose-6-phosphate transaminase 1; minus strand). Cytogenetic location: 2p13.3.
Variant type: Deletion.
Identifiers: ClinVar variation 833366 (VCV000833366.3).

ClinVar aggregate classification (germline): Likely pathogenic (1 of 4 stars; one submission).

Conditions:
Congenital myasthenic syndrome 12 (CMS12). Also called: Myasthenia, congenital, 12, with tubular aggregates; MYASTHENIC SYNDROME, CONGENITAL, WITH TUBULAR AGGREGATES 1. Identifiers: Orphanet 353327, Orphanet 590, MedGen C3552335, MONDO:0012518, OMIM 610542.

Submission:

Labcorp Genetics (formerly Invitae), Labcorp
Classification: Likely pathogenic for Congenital myasthenic syndrome 12. Last evaluated: 2019-03-06. Review status: criteria provided, single submitter. Criteria: Invitae Variant Classification Sherloc (09022015). Collection method: clinical testing. Allele origin: germline.
Comment: In summary, the currently available evidence indicates that the variant is pathogenic, but additional data are needed to prove that conclusively. Therefore, this variant has been classified as Likely Pathogenic. This variant disrupts the p.Arg111 amino acid residue in GFPT1. Other variant(s) that disrupt this residue have been determined to be pathogenic (PMID: 21310273, 23794683, 28712002). This suggests that this residue is clinically-significant, and that variants that disrupt this residue are likely to be disease-causing. This variant has not been reported in the literature in individuals with GFPT1-related conditions. This variant is an in-frame deletion of the genomic region encompassing exon 4 of the GFPT1 gene. It preserves the integrity of the reading frame.

Literature cited by the submitters: PubMed 21310273; PubMed 23794683; PubMed 28712002.